The following is an entry in ClinVar:

NM_005220.3(DLX3):c.736G>C (p.Asp246His)

Gene: DLX3 (distal-less homeobox 3; minus strand). Cytogenetic location: 17q21.33.
Variant type: single nucleotide variant.
Coding change: c.736G>C on transcript NM_005220.3 (MANE Select); coding-DNA position 736, G replaced by C.
Protein change: p.Asp246His; replaces aspartic acid 246 with histidine.
Molecular consequence: missense variant.
Genome position (GRCh38, 1-based): chr17:49,991,645, C>G on the plus strand (G>C on the coding strand, the complement: DLX3 is on the minus strand). VCF-style: chr17-49991645-C-G. GRCh37 (hg19) VCF-style: chr17-48069009-C-G.
Other names: short protein forms D246H.
Identifiers: ClinVar variation 892358 (VCV000892358.14), dbSNP rs3744539, ClinGen allele CA8640950.
Genomic context (GRCh38, chr17:49,991,645, plus strand): 5'-GCTGCTGCTGTAAGTGGGGTCCACTCAGGTTCTGTGCGTGATACCAGGAGTTGGTGGGGT[C>G]GTCCAGGTAGCTGGGGGAGGCACTGTATGGGAGCGGCGGGGGCAGCTGACTGCGGGCAGG-3'
Protein context (NP_005211.1, residues 236-256): PYSASPSYLD[Asp246His]PTNSWYHAQN

ClinVar aggregate classification (germline): Benign/Likely benign. Review status: criteria provided, multiple submitters, no conflicts (2 of 4 stars). 4 submissions from 4 submitters: Benign (2); Likely benign (1). 1 of the submissions does not count toward it. Last evaluated 2026-02-01.

Conditions:
DLX3-related disorder. Also called: DLX3-related condition.
Hypomaturation-hypoplastic amelogenesis imperfecta with taurodontism. Also called: Amelogenesis imperfecta, type IV. Identifiers: Orphanet 100034, Orphanet 88661, MedGen C1863012, MONDO:0007093, OMIM 104510. Disease mechanism: loss of function.

Allele frequency attached by ClinVar (database versions not stated): gnomAD 0.00023 and 0.00028; 1000 Genomes Project 30x 0.00062; ExAC 0.00071; 1000 Genomes Project 0.00080; TOPMed 0.00084.

Submissions (4):

Labcorp Genetics (formerly Invitae), Labcorp
Classification: Benign. Last evaluated: 2026-02-01. Review status: criteria provided, single submitter. Criteria: Invitae Variant Classification Sherloc (09022015). Collection method: clinical testing. Allele origin: germline.

Blueprint Genetics
Classification: Likely benign. Last evaluated: 2024-07-12. Review status: criteria provided, single submitter. Criteria: ACMG Guidelines, 2015. Collection method: clinical testing. Allele origin: germline.

Illumina Laboratory Services, Illumina
Classification: Benign for Hypomaturation-hypoplastic amelogenesis imperfecta with taurodontism. Last evaluated: 2018-01-13. Review status: criteria provided, single submitter. Criteria: ICSL Variant Classification Criteria 13 December 2019. Collection method: clinical testing. Allele origin: germline.
Comment: This variant was observed in the ICSL laboratory as part of a predisposition screen in an ostensibly healthy population. It had not been previously curated by ICSL or reported in the Human Gene Mutation Database (HGMD: prior to June 1st, 2018), and was therefore a candidate for classification through an automated scoring system. Utilizing variant allele frequency, disease prevalence and penetrance estimates, and inheritance mode, an automated score was calculated to assess if this variant is too frequent to cause the disease. Based on the score and internal cut-off values, a variant classified as benign is not then subjected to further curation. The score for this variant resulted in a classification of benign for this disease.

PreventionGenetics, part of Exact Sciences
Classification: Benign for DLX3-related condition. Last evaluated: 2019-09-20. Review status: no assertion criteria provided. Collection method: clinical testing. Allele origin: germline. Not counted in ClinVar's aggregate classification.
Comment: This variant is classified as benign based on ACMG/AMP sequence variant interpretation guidelines (Richards et al. 2015 PMID: 25741868, with internal and published modifications).